The following is an entry in ClinVar:

NM_001105247.2(ARMC5):c.121A>G (p.Ser41Gly)

Gene: ARMC5 (armadillo repeat containing 5; plus strand). Cytogenetic location: 16p11.2.
Variant type: single nucleotide variant.
Coding change: c.121A>G on transcript NM_001105247.2 (MANE Select); coding-DNA position 121, A replaced by G.
Protein change: p.Ser41Gly; replaces serine 41 with glycine.
Molecular consequence: missense variant.
Genome position (GRCh38, 1-based): chr16:31,459,645, A>G. VCF-style: chr16-31459645-A-G. GRCh37 (hg19) VCF-style: chr16-31470966-A-G.
Other names: c.406A>G, p.Ser136Gly (NM_001288767.2); c.217A>G, p.Ser73Gly (NM_001301820.1); c.121A>G, p.Ser41Gly (NM_024742.2); c.406A>G (NM_001288767.1); short protein forms S136G, S73G, S41G.
Identifiers: ClinVar variation 731845 (VCV000731845.9), dbSNP rs539998802, ClinGen allele CA8029355.

ClinVar aggregate classification (germline): Benign/Likely benign. Review status: criteria provided, multiple submitters, no conflicts (2 of 4 stars). 4 submissions from 4 submitters: Benign (2); Likely benign (1). 1 of the submissions does not count toward it. Last evaluated 2026-05-01.

Conditions:
ARMC5-related disorder. Also called: ARMC5-related condition.

Allele frequency attached by ClinVar (database versions not stated): gnomAD exomes 0.00019 and 0.00109; gnomAD 0.00035 and 0.00048; TOPMed 0.00041; ExAC 0.00096; 1000 Genomes Project 30x 0.00375; 1000 Genomes Project 0.00399.
gnomAD v4.1: 392 of 1,592,310 alleles (0.025%); highest among the groups gnomAD compares: East Asian, 0.73%; 3 homozygotes.

Submissions (4):

CeGaT Center for Human Genetics Tuebingen
Classification: Benign. Last evaluated: 2026-05-01. Review status: criteria provided, single submitter. Criteria: CeGaT Center For Human Genetics Tuebingen Variant Classification Criteria Version 2. Collection method: clinical testing. Allele origin: germline. Affected: yes. Observed: 1 variant allele.
Comment: ARMC5: BP4, BS1, BS2

Blueprint Genetics
Classification: Likely benign. Last evaluated: 2024-10-28. Review status: criteria provided, single submitter. Criteria: ACMG Guidelines, 2015. Collection method: clinical testing. Allele origin: germline.

Labcorp Genetics (formerly Invitae), Labcorp
Classification: Benign. Last evaluated: 2019-12-31. Review status: criteria provided, single submitter. Criteria: Invitae Variant Classification Sherloc (09022015). Collection method: clinical testing. Allele origin: germline.

PreventionGenetics, part of Exact Sciences
Classification: Likely benign for ARMC5-related condition. Last evaluated: 2022-06-30. Review status: no assertion criteria provided. Collection method: clinical testing. Allele origin: germline. Not counted in ClinVar's aggregate classification.
Comment: This variant is classified as likely benign based on ACMG/AMP sequence variant interpretation guidelines (Richards et al. 2015 PMID: 25741868, with internal and published modifications).